The following is an entry in ClinVar:

NM_006015.6(ARID1A):c.5330_5341del (p.Glu1777_Glu1780del)

Gene: ARID1A (AT-rich interaction domain 1A; plus strand). Cytogenetic location: 1p36.11.
Variant type: Deletion.
Coding change: c.5330_5341del on transcript NM_006015.6 (MANE Select); coding-DNA positions 5330 to 5341, 12 bases deleted (AAGAAGAGGAAG).
Protein change: p.Glu1777_Glu1780del.
Molecular consequence: inframe deletion.
Genome position (GRCh38, 1-based): chr1:26,779,228-26,779,239, AAGAAGAGGAAG deleted; deleting any 12 consecutive bases within chr1:26,779,217-26,779,239 gives the same sequence; the c. name uses the placement nearest the transcript's 3' end. VCF-style (leftmost placement, unchanged base first): chr1-26779216-TAGAAGAGGAAGA-T. GRCh37 (hg19) VCF-style: chr1-27105707-TAGAAGAGGAAGA-T.
Other names: c.4679_4690del, p.Glu1560_Glu1563del (NM_139135.4).
Identifiers: ClinVar variation 1981194 (VCV001981194.4), dbSNP rs757247033, ClinGen allele CA707671.

ClinVar aggregate classification (germline): Uncertain significance (1 of 4 stars; one submission).

Submission:

Labcorp Genetics (formerly Invitae), Labcorp
Classification: Uncertain significance. Last evaluated: 2022-04-07. Review status: criteria provided, single submitter. Criteria: Invitae Variant Classification Sherloc (09022015). Collection method: clinical testing. Allele origin: germline.
Comment: This variant has not been reported in the literature in individuals affected with ARID1A-related conditions. In summary, the available evidence is currently insufficient to determine the role of this variant in disease. Therefore, it has been classified as a Variant of Uncertain Significance. Experimental studies and prediction algorithms are not available or were not evaluated, and the functional significance of this variant is currently unknown. This variant is present in population databases (rs757247033, gnomAD 0.003%). This variant, c.5330_5341del, results in the deletion of 4 amino acid(s) of the ARID1A protein (p.Glu1777_Glu1780del), but otherwise preserves the integrity of the reading frame.